The following is an entry in ClinVar:

NM_014712.3(SETD1A):c.1285G>T (p.Ala429Ser)

Gene: SETD1A (SET domain containing 1A, histone lysine methyltransferase; plus strand). Cytogenetic location: 16p11.2.
Variant type: single nucleotide variant.
Coding change: c.1285G>T on transcript NM_014712.3 (MANE Select); coding-DNA position 1285, G replaced by T.
Protein change: p.Ala429Ser; replaces alanine 429 with serine.
Molecular consequence: missense variant.
Genome position (GRCh38, 1-based): chr16:30,965,027, G>T. VCF-style: chr16-30965027-G-T. GRCh37 (hg19) VCF-style: chr16-30976348-G-T.
Other names: short protein forms A429S.
Identifiers: ClinVar variation 4986117 (VCV004986117.1).

ClinVar aggregate classification (germline): Uncertain significance (1 of 4 stars; one submission).

Conditions:
SETD1A-related disorder. Also called: SETD1A-related condition.

Submission:

PreventionGenetics, part of Exact Sciences
Classification: Uncertain significance for SETD1A-related condition. Last evaluated: 2025-11-21. Review status: criteria provided, single submitter. Criteria: ACMG Guidelines, 2015. Collection method: clinical testing. Allele origin: germline.
Comment: The SETD1A c.1285G>T variant is predicted to result in the amino acid substitution p.Ala429Ser. To our knowledge, this variant has not been reported in the literature. This variant is reported in 0.0029% of alleles in individuals of Latino descent in gnomAD. At this time, the clinical significance of this variant is uncertain due to the absence of conclusive functional and genetic evidence.